The following is an entry in ClinVar:

NM_206933.4(USH2A):c.82A>G (p.Ile28Val)

Gene: USH2A (usherin; minus strand). Cytogenetic location: 1q41.
Variant type: single nucleotide variant.
Coding change: c.82A>G on transcript NM_206933.4 (MANE Select); coding-DNA position 82, A replaced by G.
Protein change: p.Ile28Val; replaces isoleucine 28 with valine.
Molecular consequence: missense variant.
Genome position (GRCh38, 1-based): chr1:216,422,255, T>C on the plus strand (A>G on the coding strand, the complement: USH2A is on the minus strand). VCF-style: chr1-216422255-T-C. GRCh37 (hg19) VCF-style: chr1-216595597-T-C.
Other names: c.82A>G, p.Ile28Val (NM_007123.6); short protein forms I28V.
Identifiers: ClinVar variation 1008002 (VCV001008002.7), dbSNP rs753515909, ClinGen allele CA1396858.
Genomic context (GRCh38, chr1:216,422,255, plus strand): 5'-TCTTGAAAGCTCCCACGTTCTCCAGCCTTGGGAAAAGACCTCGTGACTCAGTCAAGGATA[T>C]TGAAGCAAAATAGGCAAAGATCAACATTTCAATGACCTGAAACAAGAAGCCAGAGCCCAA-3'
Protein context (NP_996816.3, residues 18-38): EMLIFAYFAS[Ile28Val]SLTESRGLFP

ClinVar aggregate classification (germline): Uncertain significance. Review status: criteria provided, multiple submitters, no conflicts (2 of 4 stars). 5 submissions from 4 submitters: Uncertain significance (4). 1 of the submissions does not count toward it. Last evaluated 2025-09-02.

Conditions:
Retinitis pigmentosa 39 (RP39). Identifiers: Orphanet 791, MedGen C3151138, MONDO:0013436, OMIM 613809.
Usher syndrome type 2A. Also called: RETINAL DISEASE IN USHER SYNDROME TYPE IIA, MODIFIER OF; USHER SYNDROME, TYPE IIA. Identifiers: Orphanet 231178, Orphanet 886, MedGen C1848634, MONDO:0010169, OMIM 276901.

Allele frequency attached by ClinVar (database versions not stated): gnomAD 0.00001; gnomAD exomes 0.00001 and 0.00002; TOPMed 0.00001; ExAC 0.00002.
gnomAD v4.1: 9 of 1,613,532 alleles (0.00056%); highest among the groups gnomAD compares: Admixed American, 0.01%; no homozygotes.

Submissions (5):

Labcorp Genetics (formerly Invitae), Labcorp
Classification: Uncertain significance. Last evaluated: 2025-09-02. Review status: criteria provided, single submitter. Criteria: Invitae Variant Classification Sherloc (09022015). Collection method: clinical testing. Allele origin: germline.
Comment: This sequence change replaces isoleucine, which is neutral and non-polar, with valine, which is neutral and non-polar, at codon 28 of the USH2A protein (p.Ile28Val). This variant is present in population databases (rs753515909, gnomAD 0.01%). This variant has not been reported in the literature in individuals affected with USH2A-related conditions. ClinVar contains an entry for this variant (Variation ID: 1008002). Invitae Evidence Modeling of protein sequence and biophysical properties (such as structural, functional, and spatial information, amino acid conservation, physicochemical variation, residue mobility, and thermodynamic stability) indicates that this missense variant is not expected to disrupt USH2A protein function with a negative predictive value of 95%. Algorithms developed to predict the effect of sequence changes on RNA splicing suggest that this variant may create or strengthen a splice site. In summary, the available evidence is currently insufficient to determine the role of this variant in disease. Therefore, it has been classified as a Variant of Uncertain Significance.

Genome-Nilou Lab
Classification: Uncertain significance for Retinitis pigmentosa 39. Last evaluated: 2023-11-04. Review status: criteria provided, single submitter. Criteria: ACMG Guidelines, 2015. Collection method: clinical testing. Allele origin: germline. Affected: no.

Genome-Nilou Lab
Classification: Uncertain significance for Usher syndrome type 2A. Last evaluated: 2023-11-04. Review status: criteria provided, single submitter. Criteria: ACMG Guidelines, 2015. Collection method: clinical testing. Allele origin: germline. Affected: no.

GeneDx
Classification: Uncertain significance. Last evaluated: 2019-10-17. Review status: criteria provided, single submitter. Criteria: GeneDx Variant Classification Process June 2021. Collection method: clinical testing. Allele origin: germline. Affected: yes.
Comment: Not observed at a significant frequency in large population cohorts (Lek et al., 2016); Has not been previously published as pathogenic or benign to our knowledge; In-silico analysis, which includes splice predictors and evolutionary conservation, is inconclusive as to whether the variant alters gene splicing. In the absence of RNA/functional studies, the actual effect of this sequence change is unknown.; In silico analysis, which includes protein predictors and evolutionary conservation, supports that this variant does not alter protein structure/function

Natera, Inc.
Classification: Uncertain significance for Usher syndrome type 2A. Last evaluated: 2020-01-17. Review status: no assertion criteria provided. Collection method: clinical testing. Allele origin: germline. Not counted in ClinVar's aggregate classification.